The following is an entry in ClinVar:

NM_020919.4(ALS2):c.3876G>A (p.Lys1292=)

Gene: ALS2 (alsin Rho guanine nucleotide exchange factor ALS2; minus strand). Cytogenetic location: 2q33.1.
Variant type: single nucleotide variant.
Coding change: c.3876G>A on transcript NM_020919.4 (MANE Select); coding-DNA position 3876, G replaced by A.
Protein change: p.Lys1292=; no amino-acid change (lysine 1292 retained).
Molecular consequence: synonymous variant.
Genome position (GRCh38, 1-based): chr2:201,715,800, C>T on the plus strand (G>A on the coding strand, the complement: ALS2 is on the minus strand). VCF-style: chr2-201715800-C-T. GRCh37 (hg19) VCF-style: chr2-202580523-C-T.
Identifiers: ClinVar variation 333590 (VCV000333590.17), dbSNP rs200417604, ClinGen allele CA2057735.

ClinVar aggregate classification (germline): Conflicting classifications of pathogenicity. Review status: criteria provided, conflicting classifications (1 of 4 stars). 5 submissions from 4 submitters: Uncertain significance (2); Likely benign (3). Last evaluated 2026-01-20.

Conditions:
ALS2-related disorder. Also called: ALS2-related disorders; ALS2-related condition; ALS2-Related Spectrum Disorders. Identifiers: MedGen CN169291.
Amyotrophic lateral sclerosis type 2, juvenile. Also called: ALS, JUVENILE; Amyotrophic lateral sclerosis type 2. Identifiers: Orphanet 300605, MedGen C1859807, MONDO:0008780, OMIM 205100.
Infantile-onset ascending hereditary spastic paralysis (IAHSP). Also called: Autosomal Recessive Juvenile Amyotrophic Lateral Sclerosis; Infantile-Onset Ascending Hereditary Spastic Paralysis (IAHSP). Identifiers: Orphanet 293168, MedGen C2931441, MONDO:0011797, OMIM 607225. Disease mechanism: loss of function.

Allele frequency attached by ClinVar (database versions not stated): ESP Exome Variant Server 0.00008; gnomAD exomes 0.00009 and 0.00011; ExAC 0.00012; gnomAD 0.00013 and 0.00015; TOPMed 0.00017.
gnomAD v4.1: 146 of 1,614,130 alleles (0.009%); highest among the groups gnomAD compares: Admixed American, 0.025%; no homozygotes.

Submissions (5):

Labcorp Genetics (formerly Invitae), Labcorp
Classification: Likely benign for Infantile-onset ascending hereditary spastic paralysis. Last evaluated: 2026-01-20. Review status: criteria provided, single submitter. Criteria: Invitae Variant Classification Sherloc (09022015). Collection method: clinical testing. Allele origin: germline.

PreventionGenetics, part of Exact Sciences
Classification: Likely benign for ALS2-related condition. Last evaluated: 2024-12-20. Review status: criteria provided, single submitter. Criteria: ACMG Guidelines, 2015. Collection method: clinical testing. Allele origin: germline.
Comment: This variant is classified as likely benign based on ACMG/AMP sequence variant interpretation guidelines (Richards et al. 2015 PMID: 25741868, with internal and published modifications).

Blueprint Genetics
Classification: Likely benign. Last evaluated: 2024-07-17. Review status: criteria provided, single submitter. Criteria: ACMG Guidelines, 2015. Collection method: clinical testing. Allele origin: germline.

Illumina Laboratory Services, Illumina
Classification: Uncertain significance for ALS2-Related Disorders. Last evaluated: 2018-01-12. Review status: criteria provided, single submitter. Criteria: ICSL Variant Classification Criteria 13 December 2019. Collection method: clinical testing. Allele origin: germline.

Illumina Laboratory Services, Illumina
Classification: Uncertain significance for Amyotrophic lateral sclerosis type 2. Last evaluated: 2018-01-12. Review status: criteria provided, single submitter. Criteria: ICSL Variant Classification Criteria 13 December 2019. Collection method: clinical testing. Allele origin: germline.